The following is an entry in ClinVar:

ClinVar aggregate classification (germline): Uncertain significance (1 of 4 stars; one submission).

Conditions:
Charcot-Marie-Tooth disease, type I (CMT1). Also called: Charcot-Marie-Tooth, Type 1; Charcot-Marie-Tooth disease type 1. Identifiers: Orphanet 65753, MedGen C0751036, MONDO:0019011.

Submission:

Labcorp Genetics (formerly Invitae), Labcorp
Classification: Uncertain significance for Charcot-Marie-Tooth disease, type I. Last evaluated: 2019-03-01. Review status: criteria provided, single submitter. Criteria: Invitae Variant Classification Sherloc (09022015). Collection method: clinical testing. Allele origin: germline.
Comment: This variant is not present in population databases (ExAC no frequency). In summary, the available evidence is currently insufficient to determine the role of this variant in disease. Therefore, it has been classified as a Variant of Uncertain Significance. Algorithms developed to predict the effect of missense changes on protein structure and function are either unavailable or do not agree on the potential impact of this missense change (SIFT: "Tolerated"; PolyPhen-2: "Possibly Damaging"; Align-GVGD: "Class C0"). This variant has not been reported in the literature in individuals with EGR2-related conditions. This sequence change replaces histidine with glutamine at codon 420 of the EGR2 protein (p.His420Gln). The histidine residue is highly conserved and there is a small physicochemical difference between histidine and glutamine.

NM_000399.5(EGR2):c.1260C>G (p.His420Gln)

Gene: EGR2 (early growth response 2; minus strand). Cytogenetic location: 10q21.3.
Variant type: single nucleotide variant.
Coding change: c.1260C>G on transcript NM_000399.5 (MANE Select); coding-DNA position 1260, C replaced by G.
Protein change: p.His420Gln; replaces histidine 420 with glutamine.
Molecular consequence: missense variant.
Genome position (GRCh38, 1-based): chr10:62,813,378, G>C on the plus strand (C>G on the coding strand, the complement: EGR2 is on the minus strand). VCF-style: chr10-62813378-G-C. GRCh37 (hg19) VCF-style: chr10-64573138-G-C.
Other names: c.1260C>G, p.His420Gln (NM_001136177.3, NM_001136178.2); c.1110C>G, p.His370Gln (NM_001136179.3, NM_001321037.2); short protein forms H420Q, H370Q.
Identifiers: ClinVar variation 842642 (VCV000842642.8), dbSNP rs1842162935, ClinGen allele CA377027234.